The following is an entry in ClinVar:

NM_001458.5(FLNC):c.4775A>G (p.Asp1592Gly)

Gene: FLNC (filamin C; plus strand). Cytogenetic location: 7q32.1.
Variant type: single nucleotide variant.
Coding change: c.4775A>G on transcript NM_001458.5 (MANE Select); coding-DNA position 4775, A replaced by G.
Protein change: p.Asp1592Gly; replaces aspartic acid 1592 with glycine.
Molecular consequence: missense variant.
Genome position (GRCh38, 1-based): chr7:128,848,830, A>G. VCF-style: chr7-128848830-A-G. GRCh37 (hg19) VCF-style: chr7-128488884-A-G.
Other names: c.4775A>G, p.Asp1592Gly (NM_001127487.2); short protein forms D1592G.
Identifiers: ClinVar variation 967023 (VCV000967023.10), dbSNP rs1808679952, ClinGen allele CA369203014.

ClinVar aggregate classification (germline): Uncertain significance (1 of 4 stars; one submission).

Conditions:
Myofibrillar myopathy 5. Also called: FILAMINOPATHY, AUTOSOMAL DOMINANT; Filaminopathy (type). Identifiers: Orphanet 171445, MedGen C1836050, MONDO:0012289, OMIM 609524.
Distal myopathy with posterior leg and anterior hand involvement. Also called: WILLIAMS DISTAL MYOPATHY. Identifiers: Orphanet 63273, MedGen C3279722, MONDO:0013550, OMIM 614065.
Hypertrophic cardiomyopathy 26. Also called: Cardiomyopathy, familial hypertrophic, 26. Identifiers: Orphanet 75249, MedGen C4310749, MONDO:0014883, OMIM 617047.

Submission:

Labcorp Genetics (formerly Invitae), Labcorp
Classification: Uncertain significance for Distal myopathy with posterior leg and anterior hand involvement; Myofibrillar myopathy 5; Hypertrophic cardiomyopathy 26. Last evaluated: 2025-11-11. Review status: criteria provided, single submitter. Criteria: Invitae Variant Classification Sherloc (09022015). Collection method: clinical testing. Allele origin: germline.
Comment: This sequence change replaces aspartic acid, which is acidic and polar, with glycine, which is neutral and non-polar, at codon 1592 of the FLNC protein (p.Asp1592Gly). This variant is not present in population databases (gnomAD no frequency). This variant has not been reported in the literature in individuals affected with FLNC-related conditions. ClinVar contains an entry for this variant (Variation ID: 967023). Invitae Evidence Modeling of protein sequence and biophysical properties (such as structural, functional, and spatial information, amino acid conservation, physicochemical variation, residue mobility, and thermodynamic stability) has been performed for this missense variant. However, the output from this modeling did not meet the statistical confidence thresholds required to predict the impact of this variant on FLNC protein function. In summary, the available evidence is currently insufficient to determine the role of this variant in disease. Therefore, it has been classified as a Variant of Uncertain Significance.